The following is an entry in ClinVar:

ClinVar aggregate classification (germline): Uncertain significance (1 of 4 stars; one submission).

Conditions:
NTRK2-related disorder. Also called: NTRK2-related condition.

Submission:

PreventionGenetics, part of Exact Sciences
Classification: Uncertain significance for NTRK2-related condition. Last evaluated: 2026-09-21. Review status: criteria provided, single submitter. Criteria: ACMG Guidelines, 2015. Collection method: clinical testing. Allele origin: germline.
Comment: The NTRK2 c.2495T>C variant is predicted to result in the amino acid substitution p.Val832Ala. To our knowledge, this variant has not been reported in the literature or in a large population database (gnomAD), indicating this variant is rare. At this time, the clinical significance of this variant is uncertain due to the absence of conclusive functional and genetic evidence.

NM_006180.6(NTRK2):c.2495T>C (p.Val832Ala)

Gene: NTRK2 (neurotrophic receptor tyrosine kinase 2; plus strand). Cytogenetic location: 9q21.33.
Variant type: single nucleotide variant.
Coding change: c.2495T>C on transcript NM_006180.6 (MANE Select); coding-DNA position 2495, T replaced by C.
Protein change: p.Val832Ala; replaces valine 832 with alanine.
Molecular consequence: missense variant.
Genome position (GRCh38, 1-based): chr9:85,021,415, T>C. VCF-style: chr9-85021415-T-C. GRCh37 (hg19) VCF-style: chr9-87636330-T-C.
Other names: c.2447T>C, p.Val816Ala (NM_001018064.3, NM_001369532.1, NM_001369533.1); c.2411T>C, p.Val804Ala (NM_001369534.1); c.1979T>C, p.Val660Ala (NM_001369535.1); c.2027T>C, p.Val676Ala (NM_001369536.1); short protein forms V676A, V660A, V804A, V816A, V832A.
Identifiers: ClinVar variation 4994332 (VCV004994332.1).